The following is an entry in ClinVar:

NM_001244008.2(KIF1A):c.2322C>A (p.Asp774Glu)

Gene: KIF1A (kinesin family member 1A; minus strand). Cytogenetic location: 2q37.3.
Variant type: single nucleotide variant.
Coding change: c.2322C>A on transcript NM_001244008.2 (MANE Select); coding-DNA position 2322, C replaced by A.
Protein change: p.Asp774Glu; replaces aspartic acid 774 with glutamic acid.
Molecular consequence: missense variant.
Genome position (GRCh38, 1-based): chr2:240,760,787, G>T on the plus strand (C>A on the coding strand, the complement: KIF1A is on the minus strand). VCF-style: chr2-240760787-G-T. GRCh37 (hg19) VCF-style: chr2-241700204-G-T.
Other names: c.2322C>A, p.Asp774Glu (NM_001320705.2, NM_001330289.2, NM_001379638.1); c.2397C>A, p.Asp799Glu (NM_001330290.2, NM_001379631.1, NM_001379634.1 and 2 more transcripts); c.2295C>A, p.Asp765Glu (NM_001379632.1, NM_001379633.1, NM_001379636.1 and 11 more transcripts); c.2370C>A, p.Asp790Glu (NM_001379637.1, NM_001379648.1); short protein forms D774E, D799E, D765E, D790E.
Identifiers: ClinVar variation 2925919 (VCV002925919.3), dbSNP rs780908328, ClinGen allele CA2208127.
Genomic context (GRCh38, chr2:240,760,787, plus strand): 5'-CACAATGGTGCGGGGGAAGGGCCGCGTCTCTCGGTCTTTGGCGGCCTCTGGGGGCAGCAG[G>T]TCGGGTGGCAGAGGGGAGTAGAGTGTGTCCGTCAGGAGGACAAACTGGAATTGTACCTGT-3'
Protein context (NP_001230937.1, residues 764-784): TDTLYSPLPP[Asp774Glu]LLPPEAAKDR

ClinVar aggregate classification (germline): Uncertain significance (1 of 4 stars; one submission).

Conditions:
Neuropathy, hereditary sensory, type 2C. Also called: Hereditary sensory and autonomic neuropathy type IIC; KIF1A-Related HSAN2 (HSAN2C). Identifiers: Orphanet 970, MedGen C3280168, MONDO:0013634, OMIM 614213.
Hereditary spastic paraplegia 30. Identifiers: Orphanet 101010, MedGen C5235139, MONDO:0012476.
Intellectual disability, autosomal dominant 9 (NESCAVS). Also called: NESCAV SYNDROME; KIF1A-Related Neurodevelopmental Disorder. Identifiers: Orphanet 662367, MedGen C5393830, MONDO:0013656, OMIM 614255.

Allele frequency attached by ClinVar (database versions not stated): ExAC 0.00001; gnomAD 0.00001; gnomAD exomes 0.00001; TOPMed 0.00001.
gnomAD v4.1: 12 of 1,605,184 alleles (0.00075%); highest among the groups gnomAD compares: African/African-American, 0.004%; no homozygotes.

Submission:

Labcorp Genetics (formerly Invitae), Labcorp
Classification: Uncertain significance for Hereditary spastic paraplegia 30; Neuropathy, hereditary sensory, type 2C; Intellectual disability, autosomal dominant 9. Last evaluated: 2025-05-22. Review status: criteria provided, single submitter. Criteria: Invitae Variant Classification Sherloc (09022015). Collection method: clinical testing. Allele origin: germline.
Comment: This sequence change replaces aspartic acid, which is acidic and polar, with glutamic acid, which is acidic and polar, at codon 765 of the KIF1A protein (p.Asp765Glu). This variant is present in population databases (rs780908328, gnomAD 0.0009%). This variant has not been reported in the literature in individuals affected with KIF1A-related conditions. ClinVar contains an entry for this variant (Variation ID: 2925919). Invitae Evidence Modeling of protein sequence and biophysical properties (such as structural, functional, and spatial information, amino acid conservation, physicochemical variation, residue mobility, and thermodynamic stability) has been performed for this missense variant. However, the output from this modeling did not meet the statistical confidence thresholds required to predict the impact of this variant on KIF1A protein function. In summary, the available evidence is currently insufficient to determine the role of this variant in disease. Therefore, it has been classified as a Variant of Uncertain Significance.